The following is an entry in ClinVar:

NM_001098816.3(TENM4):c.1199C>A (p.Pro400His)

Gene: TENM4 (teneurin transmembrane protein 4; minus strand). Cytogenetic location: 11q14.1.
Variant type: single nucleotide variant.
Coding change: c.1199C>A on transcript NM_001098816.3 (MANE Select); coding-DNA position 1199, C replaced by A.
Protein change: p.Pro400His; replaces proline 400 with histidine.
Molecular consequence: missense variant.
Genome position (GRCh38, 1-based): chr11:78,863,018, G>T on the plus strand (C>A on the coding strand, the complement: TENM4 is on the minus strand). VCF-style: chr11-78863018-G-T. GRCh37 (hg19) VCF-style: chr11-78574063-G-T.
Other names: short protein forms P400H.
Identifiers: ClinVar variation 1711849 (VCV001711849.1), dbSNP rs2496263575, ClinGen allele CA382181974.
Genomic context (GRCh38, chr11:78,863,018, plus strand): 5'-CTACCTTCTGTGGTTCCTTTGCCTTTCCTGTCAGGGGTCTCTAAGCCAGTGCCCCCTGAG[G>T]GGTATAGGGAGACGTCGGTTGGCACAGGCCAACTGCTGGCTGTGTCCTCCGTGATCTCAT-3'
Protein context (NP_001092286.2, residues 390-410): WPVPTDVSLY[Pro400His]SGGTGLETPD

ClinVar aggregate classification (germline): Uncertain significance (1 of 4 stars; one submission).

Conditions:
Tremor, hereditary essential, 5 (ETM5). Identifiers: MedGen C4225223, MONDO:0014756, OMIM 616736.

Submission:

Breda Genetics srl
Classification: Uncertain significance for Tremor, hereditary essential, 5. Last evaluated: 2022-07-01. Review status: criteria provided, single submitter. Criteria: ACMG Guidelines, 2015. Collection method: clinical testing. Allele origin: germline. Inheritance: Autosomal dominant inheritance. Affected: yes. Observed: 1 variant allele, 1 heterozygote.
Comment: The variant c.1199C>A (p.Pro400His) in the TENM4 gene has not been reported in dbSNP, gnomAD, 1000 Genomes Project or ClinVar. The nucleotide position is highly conserved across 35 mammalian species (GERP RS: 6.07). In silico analysis indicates that the variant might be damaging. Based on ACMG variant interpretation guidelines, we classify this variant as uncertain. However, based on the aforementioned evidence and the clinical phenotype, we think there is a given likelihood that the variant may actually be pathogenic